The following is an entry in ClinVar:

NM_002476.2(MYL4):c.292C>G (p.Leu98Val)

Gene: MYL4 (myosin light chain 4; plus strand). Cytogenetic location: 17q21.32.
Variant type: single nucleotide variant.
Coding change: c.292C>G on transcript NM_002476.2 (MANE Select); coding-DNA position 292, C replaced by G.
Protein change: p.Leu98Val; replaces leucine 98 with valine.
Molecular consequence: missense variant.
Genome position (GRCh38, 1-based): chr17:47,220,032, C>G. VCF-style: chr17-47220032-C-G. GRCh37 (hg19) VCF-style: chr17-45297398-C-G.
Other names: c.292C>G, p.Leu98Val (NM_001002841.2); short protein forms L98V.
Identifiers: ClinVar variation 3715499 (VCV003715499.2).

ClinVar aggregate classification (germline): Uncertain significance (1 of 4 stars; one submission).

Conditions:
Atrial fibrillation, familial, 18 (ATFB18). Identifiers: MedGen C4310636, MONDO:0015001, OMIM 617280.

gnomAD v4.1: 1 of 1,613,542 alleles (0.000062%); highest among the groups gnomAD compares: Non-Finnish European, 0.000085%; no homozygotes.

Submission:

Labcorp Genetics (formerly Invitae), Labcorp
Classification: Uncertain significance for Atrial fibrillation, familial, 18. Last evaluated: 2025-01-19. Review status: criteria provided, single submitter. Criteria: Invitae Variant Classification Sherloc (09022015). Collection method: clinical testing. Allele origin: germline.
Comment: This sequence change replaces leucine, which is neutral and non-polar, with valine, which is neutral and non-polar, at codon 98 of the MYL4 protein (p.Leu98Val). This variant is not present in population databases (gnomAD no frequency). This variant has not been reported in the literature in individuals affected with MYL4-related conditions. An algorithm developed to predict the effect of missense changes on protein structure and function (PolyPhen-2) suggests that this variant is likely to be disruptive. In summary, the available evidence is currently insufficient to determine the role of this variant in disease. Therefore, it has been classified as a Variant of Uncertain Significance.